The following is an entry in ClinVar:

ClinVar aggregate classification (germline): Pathogenic. Review status: criteria provided, single submitter (1 of 4 stars). 2 submissions from 2 submitters: Pathogenic (1). 1 of the submissions does not count toward it. Last evaluated 2021-12-25.

Conditions:
PHARC syndrome. Also called: Polyneuropathy-hearing loss-ataxia-retinitis pigmentosa-cataract syndrome. Identifiers: Orphanet 171848, MedGen C2675204, MONDO:0012984, OMIM 612674.

Allele frequency attached by ClinVar (database versions not stated): gnomAD exomes below 0.00001.

Submissions (2):

Labcorp Genetics (formerly Invitae), Labcorp
Classification: Pathogenic. Last evaluated: 2021-12-25. Review status: criteria provided, single submitter. Criteria: Invitae Variant Classification Sherloc (09022015). Collection method: clinical testing. Allele origin: germline.
Comment: This sequence change creates a premature translational stop signal (p.Arg71Tyrfs*26) in the ABHD12 gene. It is expected to result in an absent or disrupted protein product. Loss-of-function variants in ABHD12 are known to be pathogenic (PMID: 20797687). This variant is not present in population databases (gnomAD no frequency). This premature translational stop signal has been observed in individual(s) with polyneuropathy, hearing loss, ataxia, retinitis pigmentosa and cataracts syndrome (PMID: 29571850). ClinVar contains an entry for this variant (Variation ID: 430695). For these reasons, this variant has been classified as Pathogenic.

Unit of Genetics and Genomics of Neuromuscular Diseases, Principe Felipe Research Center
Classification: Pathogenic for PHARC syndrome. Last evaluated: 2017-06-30. Review status: no assertion criteria provided. Collection method: clinical testing. Allele origin: inherited. Inheritance: Autosomal recessive inheritance. Affected: yes. Observed: 2 variant alleles, 2 homozygotes. Clinical features observed: Polyneuropathy, Dysarthria, Sensorineural hearing loss disorder, Nystagmus, Distal sensory impairment, Intention tremor, Optic atrophy, Hyperreflexia, Rod-cone dystrophy, Subcapsular cataract, Dysmetria, Pes cavus, and 3 more. Not counted in ClinVar's aggregate classification.
Comment: The variant ABHD12:c.211_233del, was detected in homozygous in two related patients with PHARC syndrome.

Literature cited by the submitters: PubMed 20797687 (cited by Labcorp Genetics (formerly Invitae), Labcorp); PubMed 29571850 (cited by Labcorp Genetics (formerly Invitae), Labcorp and Unit of Genetics and Genomics of Neuromuscular Diseases, Principe Felipe Research Center).

NM_001042472.3(ABHD12):c.211_223del (p.Arg71fs)

Gene: ABHD12 (abhydrolase domain containing 12, lysophospholipase; minus strand). Cytogenetic location: 20p11.21.
Variant type: Deletion.
Coding change: c.211_223del on transcript NM_001042472.3 (MANE Select); coding-DNA positions 211 to 223, 13 bases deleted (CGCCTGAGGAAGA).
Protein change: p.Arg71fs; shifts the reading frame from arginine 71.
Molecular consequence: frameshift variant.
Genome position (GRCh38, 1-based): chr20:25,339,320-25,339,332, TCTTCCTCAGGCG deleted on the plus strand (CGCCTGAGGAAGA on the coding strand, the reverse complement: ABHD12 is on the minus strand). VCF-style (leftmost placement, unchanged base first): chr20-25339319-ATCTTCCTCAGGCG-A. GRCh37 (hg19) VCF-style: chr20-25319955-ATCTTCCTCAGGCG-A.
Other names: c.211_223del, p.Arg71fs (NM_015600.5); short protein forms R71fs.
Identifiers: ClinVar variation 430695 (VCV000430695.5), dbSNP rs1555817157, ClinGen allele CA658684236.
Genomic context (GRCh38, chr20:25,339,319, plus strand): 5'-CCAGGACATAGTTTGATGAGAAATGGAATGGCAATGTACAACCCCAAAACACAGAAAAGT[ATCTTCCTCAGGCG>A]CAACCACACGCCCTTTCGCCTGCAAGAGAAAAGCAATGAATAGGTCAGAAGGCAGTAGGT-3'